The following is an entry in ClinVar:

NM_022114.4(PRDM16):c.2187C>G (p.Phe729Leu)

Gene: PRDM16 (PR/SET domain 16; plus strand). Cytogenetic location: 1p36.32.
Variant type: single nucleotide variant.
Coding change: c.2187C>G on transcript NM_022114.4 (MANE Select); coding-DNA position 2187, C replaced by G.
Protein change: p.Phe729Leu; replaces phenylalanine 729 with leucine.
Molecular consequence: missense variant.
Genome position (GRCh38, 1-based): chr1:3,412,384, C>G. VCF-style: chr1-3412384-C-G. GRCh37 (hg19) VCF-style: chr1-3328948-C-G.
Other names: p.Phe729Leu; c.2187C>G, p.Phe729Leu (NM_199454.3); short protein forms F729L.
Identifiers: ClinVar variation 474416 (VCV000474416.40), dbSNP rs200109766, ClinGen allele CA544410.
Genomic context (GRCh38, chr1:3,412,384, plus strand): 5'-GGGGATGCAGGAGAAGAAGCTGGGCTCGCTCCCCTACCACTCGGCGTTCCCCTTCCAGTT[C>G]CTGCCCAACTTCCCCCACTCCCTTTACCCCTTCACGGACCGAGCCCTCGCCCACAACTTG-3'
Protein context (NP_071397.3, residues 719-739): LPYHSAFPFQ[Phe729Leu]LPNFPHSLYP

ClinVar aggregate classification (germline): Conflicting classifications of pathogenicity. Review status: criteria provided, conflicting classifications (1 of 4 stars). 7 submissions from 7 submitters: Uncertain significance (1); Likely benign (6). Last evaluated 2026-02-02.

Conditions:
Left ventricular noncompaction 8 (LVNC8). Identifiers: Orphanet 154, Orphanet 54260, MedGen C3809288, MONDO:0014152, OMIM 615373.

Allele frequency attached by ClinVar (database versions not stated): 1000 Genomes Project 30x 0.00016; TOPMed 0.00018; 1000 Genomes Project 0.00020; ESP Exome Variant Server 0.00024; gnomAD exomes 0.00026 and 0.00035; gnomAD 0.00032 and 0.00033; ExAC 0.00042.
gnomAD v4.1: 433 of 1,613,456 alleles (0.027%); highest among the groups gnomAD compares: Admixed American, 0.043%; 1 homozygote.

Submissions (7):

Labcorp Genetics (formerly Invitae), Labcorp
Classification: Likely benign for Left ventricular noncompaction 8. Last evaluated: 2026-02-02. Review status: criteria provided, single submitter. Criteria: Invitae Variant Classification Sherloc (09022015). Collection method: clinical testing. Allele origin: germline.

GeneDx
Classification: Uncertain significance. Last evaluated: 2025-12-09. Review status: criteria provided, single submitter. Criteria: GeneDx Variant Classification Process June 2021. Collection method: clinical testing. Allele origin: germline.
Comment: Reported in association with left ventricular noncompaction (LVNC) and arrhythmogenic right ventricular cardiomyopathy (ARVC); patient-specific details were not described (PMID: 28798025, 30847666); In silico analysis suggests that this missense variant does not alter protein structure/function; This variant is associated with the following publications: (PMID: 33917638, 30847666, 28798025)

Women's Health and Genetics/Laboratory Corporation of America, LabCorp
Classification: Likely benign. Last evaluated: 2025-11-12. Review status: criteria provided, single submitter. Criteria: LabCorp Variant Classification Summary - May 2015. Collection method: clinical testing. Allele origin: germline.
Comment: Variant summary: PRDM16 c.2187C>G (p.Phe729Leu) results in a non-conservative amino acid change in the encoded protein sequence. Algorithms developed to predict the effect of missense changes on protein structure and function are either unavailable or do not agree on the potential impact of this missense change. The variant allele was found at a frequency of 0.00035 in 248214 control chromosomes. The observed variant frequency exceeds the estimated maximal expected allele frequency for disease-causing variants in PRDM16. c.2187C>G has been observed in individual(s) affected with Cardiomyopathy, without strong evidence for causality (Miszalski-Jamka_2018, van Lint_2019). These report(s) do not provide unequivocal conclusions about association of the variant with Cardiomyopathy. To our knowledge, no experimental evidence demonstrating an impact on protein function has been reported. The following publications have been ascertained in the context of this evaluation (PMID: 28798025, 30847666). ClinVar contains an entry for this variant (Variation ID: 474416). Based on the evidence outlined above, the variant was classified as likely benign.

Mayo Clinic Laboratories, Mayo Clinic
Classification: Likely benign. Last evaluated: 2025-03-19. Review status: criteria provided, single submitter. Criteria: ACMG Guidelines, 2015. Collection method: clinical testing. Allele origin: germline. Observed: 1 variant allele.
Comment: BS1, BP4_moderate

Laboratory of Genetics, Children's Clinical University Hospital Latvia
Classification: Likely benign. Last evaluated: 2025-02-16. Review status: criteria provided, single submitter. Criteria: ACMG Guidelines, 2015. Collection method: clinical testing. Allele origin: germline. Affected: yes.

CeGaT Center for Human Genetics Tuebingen
Classification: Likely benign. Last evaluated: 2024-12-01. Review status: criteria provided, single submitter. Criteria: CeGaT Center For Human Genetics Tuebingen Variant Classification Criteria Version 2. Collection method: clinical testing. Allele origin: germline. Affected: yes. Observed: 2 variant alleles.
Comment: PRDM16: BP4, BS1

Blueprint Genetics
Classification: Likely benign. Last evaluated: 2024-11-22. Review status: criteria provided, single submitter. Criteria: ACMG Guidelines, 2015. Collection method: clinical testing. Allele origin: germline.

Literature cited by the submitters: PubMed 28798025 (cited by Women's Health and Genetics/Laboratory Corporation of America, LabCorp and Mayo Clinic Laboratories, Mayo Clinic); PubMed 30847666 (cited by Women's Health and Genetics/Laboratory Corporation of America, LabCorp and Mayo Clinic Laboratories, Mayo Clinic); PubMed 33917638 (cited by Mayo Clinic Laboratories, Mayo Clinic).